The following is an entry in ClinVar:

NM_006258.4(PRKG1):c.196A>G (p.Ser66Gly)

Gene: PRKG1 (protein kinase cGMP-dependent 1; plus strand). Cytogenetic location: 10q11.23.
Variant type: single nucleotide variant.
Coding change: c.196A>G on transcript NM_006258.4 (MANE Select); coding-DNA position 196, A replaced by G.
Protein change: p.Ser66Gly; replaces serine 66 with glycine.
Molecular consequence: missense variant. On other transcripts: intron variant (1).
Genome position (GRCh38, 1-based): chr10:51,074,786, A>G. VCF-style: chr10-51074786-A-G. GRCh37 (hg19) VCF-style: chr10-52834546-A-G.
Other names: c.196A>G, p.Ser66Gly (NM_001374782.1); c.267-78378A>G (NM_001098512.3); short protein forms S66G.
Identifiers: ClinVar variation 3425433 (VCV003425433.1).

ClinVar aggregate classification (germline): Uncertain significance (1 of 4 stars; one submission).

Conditions:
Familial thoracic aortic aneurysm and aortic dissection (TAAD). Also called: Thoracic aortic aneurysms and dissections. Identifiers: Orphanet 91387, MedGen C4707243, MONDO:0019625.

gnomAD v4.1: 1 of 1,613,992 alleles (0.000062%); highest among the groups gnomAD compares: Non-Finnish European, 0.000085%; no homozygotes.

Submission:

Ambry Genetics
Classification: Uncertain significance for Familial thoracic aortic aneurysm and aortic dissection. Last evaluated: 2024-10-15. Review status: criteria provided, single submitter. Criteria: Ambry Variant Classification Scheme 2023. Collection method: clinical testing. Allele origin: germline.
Comment: The p.S66G variant (also known as c.196A>G), located in coding exon 1 of the PRKG1 gene, results from an A to G substitution at nucleotide position 196. The serine at codon 66 is replaced by glycine, an amino acid with similar properties. This amino acid position is conserved. In addition, this alteration is predicted to be tolerated by in silico analysis. Based on the available evidence, the clinical significance of this variant remains unclear.